The following is an entry in ClinVar:

ClinVar aggregate classification (germline): Uncertain significance (1 of 4 stars; one submission).

Submission:

GeneDx
Classification: Uncertain significance. Last evaluated: 2025-06-11. Review status: criteria provided, single submitter. Criteria: GeneDx Variant Classification Process June 2021. Collection method: clinical testing. Allele origin: germline. Affected: yes.
Comment: Not observed at significant frequency in large population cohorts (gnomAD); In silico analysis suggests that this missense variant does not alter protein structure/function; Has not been previously published as pathogenic or benign to our knowledge

NM_002739.5(PRKCG):c.521A>G (p.His174Arg)

Gene: PRKCG (protein kinase C gamma; plus strand). Cytogenetic location: 19q13.42.
Variant type: single nucleotide variant.
Coding change: c.521A>G on transcript NM_002739.5 (MANE Select); coding-DNA position 521, A replaced by G.
Protein change: p.His174Arg; replaces histidine 174 with arginine.
Molecular consequence: missense variant.
Genome position (GRCh38, 1-based): chr19:53,890,009, A>G. VCF-style: chr19-53890009-A-G. GRCh37 (hg19) VCF-style: chr19-54393263-A-G.
Other names: c.521A>G, p.His174Arg (NM_001316329.2); short protein forms H174R.
Identifiers: ClinVar variation 4537551 (VCV004537551.1).
Genomic context (GRCh38, chr19:53,890,009, plus strand): 5'-ACACCGAGCGCCGCGGGCGCCTGCAGCTGGAGATCCGGGCTCCCACAGCAGATGAGATCC[A>G]CGTAACTGGTGAGGCCCCGCCCCCTCGCCTGGCCCCGCCCCCTCCCCAAGTGTGAGGCGG-3'
Protein context (NP_002730.1, residues 164-184): EIRAPTADEI[His174Arg]VTVGEARNLI